The following is an entry in ClinVar:

NM_004655.4(AXIN2):c.1910C>A (p.Ala637Asp)

Gene: AXIN2 (axin 2; minus strand). Cytogenetic location: 17q24.1.
Variant type: single nucleotide variant.
Coding change: c.1910C>A on transcript NM_004655.4 (MANE Select); coding-DNA position 1910, C replaced by A.
Protein change: p.Ala637Asp; replaces alanine 637 with aspartic acid.
Molecular consequence: missense variant.
Genome position (GRCh38, 1-based): chr17:65,536,551, G>T on the plus strand (C>A on the coding strand, the complement: AXIN2 is on the minus strand). VCF-style: chr17-65536551-G-T. GRCh37 (hg19) VCF-style: chr17-63532669-G-T.
Other names: c.1715C>A, p.Ala572Asp (NM_001363813.1); short protein forms A572D, A637D.
Identifiers: ClinVar variation 2700255 (VCV002700255.3), dbSNP rs2144444364, ClinGen allele CA400676355.

ClinVar aggregate classification (germline): Uncertain significance (1 of 4 stars; one submission).

Conditions:
Oligodontia-cancer predisposition syndrome. Also called: TOOTH AGENESIS-COLORECTAL CANCER SYNDROME. Identifiers: Orphanet 300576, MedGen C1837750, MONDO:0012075, OMIM 608615. Disease mechanism: loss of function.

gnomAD v4.1: 1 of 1,613,684 alleles (0.000062%); highest among the groups gnomAD compares: Non-Finnish European, 0.000085%; no homozygotes.

Submission:

Labcorp Genetics (formerly Invitae), Labcorp
Classification: Uncertain significance for Oligodontia-cancer predisposition syndrome. Last evaluated: 2023-12-01. Review status: criteria provided, single submitter. Criteria: Invitae Variant Classification Sherloc (09022015). Collection method: clinical testing. Allele origin: germline.
Comment: This sequence change replaces alanine, which is neutral and non-polar, with aspartic acid, which is acidic and polar, at codon 637 of the AXIN2 protein (p.Ala637Asp). This variant is not present in population databases (gnomAD no frequency). This variant has not been reported in the literature in individuals affected with AXIN2-related conditions. An algorithm developed to predict the effect of missense changes on protein structure and function (PolyPhen-2) suggests that this variant is likely to be tolerated. In summary, the available evidence is currently insufficient to determine the role of this variant in disease. Therefore, it has been classified as a Variant of Uncertain Significance.